The following is an entry in ClinVar:

NM_000069.3(CACNA1S):c.3843C>T (p.Tyr1281=)

Gene: CACNA1S (calcium voltage-gated channel subunit alpha1 S; minus strand). Cytogenetic location: 1q32.1.
Variant type: single nucleotide variant.
Coding change: c.3843C>T on transcript NM_000069.3 (MANE Select); coding-DNA position 3843, C replaced by T.
Protein change: p.Tyr1281=; no amino-acid change (tyrosine 1281 retained).
Molecular consequence: synonymous variant.
Genome position (GRCh38, 1-based): chr1:201,053,227, G>A on the plus strand (C>T on the coding strand, the complement: CACNA1S is on the minus strand). VCF-style: chr1-201053227-G-A. GRCh37 (hg19) VCF-style: chr1-201022355-G-A.
Identifiers: ClinVar variation 702752 (VCV000702752.16), dbSNP rs371582901, ClinGen allele CA082873.

ClinVar aggregate classification (germline): Likely benign. Review status: criteria provided, multiple submitters, no conflicts (2 of 4 stars). 3 submissions from 3 submitters: Likely benign (3). Last evaluated 2026-01-01.

Conditions:
Hypokalemic periodic paralysis, type 1. Also called: Hypokalemic Periodic Paralysis Type 1 (AD); HypoPP. Identifiers: Orphanet 681, MedGen C3714580, MONDO:0042979, OMIM 170400.
Malignant hyperthermia, susceptibility to, 5 (MHS5). Also called: CACNA1S-Related Malignant Hyperthermia Susceptibility. Identifiers: Orphanet 423, MedGen C1866077, MONDO:0011163, OMIM 601887.

Allele frequency attached by ClinVar (database versions not stated): gnomAD exomes 0.00003 and 0.00009; gnomAD 0.00005 and 0.00006; ExAC 0.00007; TOPMed 0.00007; ESP Exome Variant Server 0.00008.
gnomAD v4.1: 51 of 1,614,110 alleles (0.0032%); highest among the groups gnomAD compares: Admixed American, 0.033%; no homozygotes.

Submissions (3):

CeGaT Center for Human Genetics Tuebingen
Classification: Likely benign. Last evaluated: 2026-01-01. Review status: criteria provided, single submitter. Criteria: CeGaT Center For Human Genetics Tuebingen Variant Classification Criteria Version 2. Collection method: clinical testing. Allele origin: germline. Affected: yes. Observed: 1 variant allele.
Comment: CACNA1S: BP4, BP7

Labcorp Genetics (formerly Invitae), Labcorp
Classification: Likely benign for Hypokalemic periodic paralysis, type 1; Malignant hyperthermia, susceptibility to, 5. Last evaluated: 2025-09-13. Review status: criteria provided, single submitter. Criteria: Invitae Variant Classification Sherloc (09022015). Collection method: clinical testing. Allele origin: germline.

Color Diagnostics, LLC DBA Color Health
Classification: Likely benign for Malignant hyperthermia, susceptibility to, 5. Last evaluated: 2022-11-06. Review status: criteria provided, single submitter. Criteria: ACMG Guidelines, 2015. Collection method: clinical testing. Allele origin: germline.